The following is an entry in ClinVar:

ClinVar aggregate classification (germline): Uncertain significance (1 of 4 stars; one submission).

Conditions:
Severe combined immunodeficiency due to DNA-PKcs deficiency. Also called: IMMUNODEFICIENCY 26 WITH NEUROLOGIC ABNORMALITIES; Immunodeficiency 26 with or without neurologic abnormalities. Identifiers: Orphanet 317425, MedGen C4014833, MONDO:0014423, OMIM 615966.

Allele frequency attached by ClinVar (database versions not stated): gnomAD exomes below 0.00001; ExAC 0.00001; TOPMed 0.00003; ESP Exome Variant Server 0.00008.
gnomAD v4.1: 4 of 1,614,020 alleles (0.00025%); highest among the groups gnomAD compares: Admixed American, 0.005%; no homozygotes.

Submission:

Labcorp Genetics (formerly Invitae), Labcorp
Classification: Uncertain significance for Severe combined immunodeficiency due to DNA-PKcs deficiency. Last evaluated: 2022-05-17. Review status: criteria provided, single submitter. Criteria: Invitae Variant Classification Sherloc (09022015). Collection method: clinical testing. Allele origin: germline.
Comment: This sequence change replaces serine, which is neutral and polar, with glycine, which is neutral and non-polar, at codon 450 of the PRKDC protein (p.Ser450Gly). This variant is present in population databases (rs370582185, gnomAD 0.006%). This variant has not been reported in the literature in individuals affected with PRKDC-related conditions. Experimental studies and prediction algorithms are not available or were not evaluated, and the functional significance of this variant is currently unknown. In summary, the available evidence is currently insufficient to determine the role of this variant in disease. Therefore, it has been classified as a Variant of Uncertain Significance.

NM_006904.7(PRKDC):c.1348A>G (p.Ser450Gly)

Gene: PRKDC (protein kinase, DNA-activated, catalytic subunit; minus strand). Cytogenetic location: 8q11.21.
Variant type: single nucleotide variant.
Coding change: c.1348A>G on transcript NM_006904.7 (MANE Select); coding-DNA position 1348, A replaced by G.
Protein change: p.Ser450Gly; replaces serine 450 with glycine.
Molecular consequence: missense variant.
Genome position (GRCh38, 1-based): chr8:47,935,831, T>C on the plus strand (A>G on the coding strand, the complement: PRKDC is on the minus strand). VCF-style: chr8-47935831-T-C. GRCh37 (hg19) VCF-style: chr8-48848391-T-C.
Other names: c.1348A>G, p.Ser450Gly (NM_001081640.2); short protein forms S450G.
Identifiers: ClinVar variation 1897270 (VCV001897270.2), dbSNP rs370582185, ClinGen allele CA4741753.
Genomic context (GRCh38, chr8:47,935,831, plus strand): 5'-CTGCCAAAGCTAGGAACACCTTCACTATGGCTCTGCAACACACCAGCTGCATTTTTGGAC[T>C]GTACTGTGGGAAACTGTCTATCTGCATCACCACGAGGTGCTCCAGAACTGGAGTATACAC-3'
Protein context (NP_008835.5, residues 440-460): VMQIDSFPQY[Ser450Gly]PKMQLVCCRA